The following is an entry in ClinVar:

NM_000384.3(APOB):c.6776G>T (p.Arg2259Ile)

Gene: APOB (apolipoprotein B; minus strand). Cytogenetic location: 2p24.1.
Variant type: single nucleotide variant.
Coding change: c.6776G>T on transcript NM_000384.3 (MANE Select); coding-DNA position 6776, G replaced by T.
Protein change: p.Arg2259Ile; replaces arginine 2259 with isoleucine.
Molecular consequence: missense variant.
Genome position (GRCh38, 1-based): chr2:21,010,092, C>A on the plus strand (G>T on the coding strand, the complement: APOB is on the minus strand). VCF-style: chr2-21010092-C-A. GRCh37 (hg19) VCF-style: chr2-21232964-C-A.
Other names: short protein forms R2259I.
Identifiers: ClinVar variation 4538584 (VCV004538584.1).

ClinVar aggregate classification (germline): Uncertain significance (1 of 4 stars; one submission).

Submission:

GeneDx
Classification: Uncertain significance. Last evaluated: 2025-06-10. Review status: criteria provided, single submitter. Criteria: GeneDx Variant Classification Process June 2021. Collection method: clinical testing. Allele origin: germline. Affected: yes.
Comment: Not observed at significant frequency in large population cohorts (gnomAD); In silico analysis supports that this missense variant has a deleterious effect on protein structure/function; Has not been previously published as pathogenic or benign to our knowledge; Also known as p.(R2232I)